The following is an entry in ClinVar:

NM_001282225.2(ADA2):c.1003_1004inv (p.His335Cys)

Gene: ADA2 (adenosine deaminase 2; minus strand). Cytogenetic location: 22q11.1.
Variant type: Inversion.
Coding change: c.1003_1004inv on transcript NM_001282225.2 (MANE Select).
Protein change: p.His335Cys; replaces histidine 335 with cysteine.
Molecular consequence: missense variant.
Genome position: GRCh38 VCF-style: chr22-17188416-TG-CA. GRCh37 (hg19) VCF-style: chr22-17669306-TG-CA.
Other names: c.1003_1004inv, p.His335Cys (NM_001282226.2); c.877_878inv, p.His293Cys (NM_001282227.2, NM_001282228.2); c.643_644inv, p.His215Cys (NM_001282229.2); c.280_281inv, p.His94Cys (NM_177405.3); short protein forms H215C, H94C, H335C, H293C.
Identifiers: ClinVar variation 591150 (VCV000591150.7), ClinGen allele CA891863052.

ClinVar aggregate classification (germline): Uncertain significance. Review status: criteria provided, single submitter (1 of 4 stars). 2 submissions from 2 submitters: Uncertain significance (1). 1 of the submissions does not count toward it. Last evaluated 2024-12-02.

Conditions:
Deficiency of adenosine deaminase 2. Also called: Adenosine Deaminase 2 Deficiency; VASCULITIS, AUTOINFLAMMATION, IMMUNODEFICIENCY, AND HEMATOLOGIC DEFECTS SYNDROME; Polyarteritis nodosa, childhoood-onset. Identifiers: Orphanet 404553, MedGen C3887654, MONDO:0014306, OMIM 615688, MONDO:0100317.

Submissions (2):

Labcorp Genetics (formerly Invitae), Labcorp
Classification: Uncertain significance for Deficiency of adenosine deaminase 2. Last evaluated: 2024-12-02. Review status: criteria provided, single submitter. Criteria: Invitae Variant Classification Sherloc (09022015). Collection method: clinical testing. Allele origin: germline.
Comment: This sequence change replaces histidine, which is basic and polar, with cysteine, which is neutral and slightly polar, at codon 335 of the ADA2 protein (p.His335Cys). The frequency data for this variant in the population databases is considered unreliable, as metrics indicate poor data quality at this position in the gnomAD database. This variant has not been reported in the literature in individuals affected with ADA2-related conditions. ClinVar contains an entry for this variant (Variation ID: 591150). An algorithm developed to predict the effect of missense changes on protein structure and function (PolyPhen-2) suggests that this variant is likely to be tolerated. In summary, the available evidence is currently insufficient to determine the role of this variant in disease. Therefore, it has been classified as a Variant of Uncertain Significance.

Gharavi Laboratory, Columbia University
Classification: Uncertain significance. Last evaluated: 2018-09-16. Review status: no assertion criteria provided. Criteria: ACMG Guidelines, 2015. Collection method: research. Allele origin: germline. Affected: yes. Not counted in ClinVar's aggregate classification.